The following is an entry in ClinVar:

NM_001851.6(COL9A1):c.1404G>A (p.Gln468=)

Gene: COL9A1 (collagen type IX alpha 1 chain; minus strand). Cytogenetic location: 6q13.
Variant type: single nucleotide variant.
Coding change: c.1404G>A on transcript NM_001851.6 (MANE Select); coding-DNA position 1404, G replaced by A.
Protein change: p.Gln468=; no amino-acid change (glutamine 468 retained).
Molecular consequence: synonymous variant. On other transcripts: non-coding transcript variant (1).
Genome position (GRCh38, 1-based): chr6:70,260,702, C>T on the plus strand (G>A on the coding strand, the complement: COL9A1 is on the minus strand). VCF-style: chr6-70260702-C-T. GRCh37 (hg19) VCF-style: chr6-70970405-C-T.
Other names: c.675G>A, p.Gln225= (NM_001377289.1, NM_001377290.1, NM_078485.4).
Identifiers: ClinVar variation 391312 (VCV000391312.11), dbSNP rs371743577, ClinGen allele CA3882228.

ClinVar aggregate classification (germline): Likely benign. Review status: criteria provided, multiple submitters, no conflicts (2 of 4 stars). 2 submissions from 2 submitters: Likely benign (2). Last evaluated 2025-06-19.

Allele frequency attached by ClinVar (database versions not stated): gnomAD exomes below 0.00001 and 0.00002; gnomAD 0.00001; ExAC 0.00002; TOPMed 0.00002; ESP Exome Variant Server 0.00008.
gnomAD v4.1: 7 of 1,613,768 alleles (0.00043%); highest among the groups gnomAD compares: Non-Finnish European, 0.00059%; no homozygotes.

Submissions (2):

Labcorp Genetics (formerly Invitae), Labcorp
Classification: Likely benign. Last evaluated: 2025-06-19. Review status: criteria provided, single submitter. Criteria: Invitae Variant Classification Sherloc (09022015). Collection method: clinical testing. Allele origin: germline.

GeneDx
Classification: Likely benign. Last evaluated: 2016-11-30. Review status: criteria provided, single submitter. Criteria: GeneDx Variant Classification (06012015). Collection method: clinical testing. Allele origin: germline. Affected: yes.
Comment: This variant is considered likely benign or benign based on one or more of the following criteria: it is a conservative change, it occurs at a poorly conserved position in the protein, it is predicted to be benign by multiple in silico algorithms, and/or has population frequency not consistent with disease.